The following is an entry in ClinVar:

NM_000338.3(SLC12A1):c.1118G>A (p.Arg373His)

Gene: SLC12A1 (solute carrier family 12 member 1; plus strand). Cytogenetic location: 15q21.1.
Variant type: single nucleotide variant.
Coding change: c.1118G>A on transcript NM_000338.3 (MANE Select); coding-DNA position 1118, G replaced by A.
Protein change: p.Arg373His; replaces arginine 373 with histidine.
Molecular consequence: missense variant.
Genome position (GRCh38, 1-based): chr15:48,234,907, G>A. VCF-style: chr15-48234907-G-A. GRCh37 (hg19) VCF-style: chr15-48527104-G-A.
Other names: c.1118G>A, p.Arg373His (NM_001184832.2, NM_001384136.1); c.1118G>A (NM_000338.2); short protein forms R373H.
Identifiers: ClinVar variation 1036256 (VCV001036256.26), dbSNP rs150258541, ClinGen allele CA7546976.

ClinVar aggregate classification (germline): Conflicting classifications of pathogenicity. Review status: criteria provided, conflicting classifications (1 of 4 stars). 6 submissions from 6 submitters: Uncertain significance (4); Likely benign (2). Last evaluated 2026-06-17.

Conditions:
SLC12A1-related disorder. Also called: SLC12A1-related condition.
Inborn genetic diseases. Identifiers: MedGen C0950123, MeSH D030342.
Bartter disease type 1. Also called: HYPERPROSTAGLANDIN E SYNDROME 1; Bartter Syndrome type 1; HYPOKALEMIC ALKALOSIS WITH HYPERCALCIURIA 1, ANTENATAL; Bartter syndrome, type 1, antenatal. Identifiers: Orphanet 112, Orphanet 620217, MedGen C1866495, MONDO:0100344, OMIM 601678, MONDO:0011127.

Allele frequency attached by ClinVar (database versions not stated): 1000 Genomes Project 30x 0.00016; 1000 Genomes Project 0.00020; ExAC 0.00026; gnomAD exomes 0.00028 and 0.00062; ESP Exome Variant Server 0.00031; TOPMed 0.00042; gnomAD 0.00046 and 0.00047.
gnomAD v4.1: 993 of 1,613,766 alleles (0.062%); highest among the groups gnomAD compares: Non-Finnish European, 0.077%; 2 homozygotes.

Submissions (6):

PreventionGenetics, part of Exact Sciences
Classification: Uncertain significance for SLC12A1-related condition. Last evaluated: 2026-06-17. Review status: criteria provided, single submitter. Criteria: ACMG Guidelines, 2015. Collection method: clinical testing. Allele origin: germline.
Comment: The SLC12A1 c.1118G>A variant is predicted to result in the amino acid substitution p.Arg373His. To our knowledge, this variant has not been reported in the literature. This variant is reported in 0.054% of alleles in individuals of European (non-Finnish) descent in gnomAD. Although we suspect that this variant may be benign, at this time, the clinical significance of this variant is uncertain due to the absence of conclusive functional and genetic evidence.

Labcorp Genetics (formerly Invitae), Labcorp
Classification: Likely benign. Last evaluated: 2026-01-19. Review status: criteria provided, single submitter. Criteria: Invitae Variant Classification Sherloc (09022015). Collection method: clinical testing. Allele origin: germline.

CeGaT Center for Human Genetics Tuebingen
Classification: Uncertain significance. Last evaluated: 2024-07-01. Review status: criteria provided, single submitter. Criteria: CeGaT Center For Human Genetics Tuebingen Variant Classification Criteria Version 2. Collection method: clinical testing. Allele origin: germline. Affected: yes. Observed: 1 variant allele.
Comment: SLC12A1: PM2

Fulgent Genetics
Classification: Likely benign for Bartter disease type 1. Last evaluated: 2024-01-31. Review status: criteria provided, single submitter. Criteria: ACMG Guidelines, 2015. Collection method: clinical testing. Allele origin: germline.

Ambry Genetics
Classification: Uncertain significance for Inborn genetic diseases. Last evaluated: 2022-01-10. Review status: criteria provided, single submitter. Criteria: Ambry Variant Classification Scheme 2023. Collection method: clinical testing. Allele origin: germline.

Breakthrough Genomics
Classification: Uncertain significance. Review status: criteria provided, single submitter. Criteria: ACMG Guidelines, 2015. Collection method: not provided. Allele origin: germline. Inheritance: Autosomal recessive inheritance. Affected: yes.